The following is an entry in ClinVar:

ClinVar aggregate classification (germline): Likely benign. Review status: criteria provided, multiple submitters, no conflicts (2 of 4 stars). 5 submissions from 5 submitters: Likely benign (2). 3 of the submissions do not count toward it. Last evaluated 2025-10-07.

Conditions:
PKD1L1-related disorder. Also called: PKD1L1-related condition.

Allele frequency attached by ClinVar (database versions not stated): ESP Exome Variant Server 0.00015; 1000 Genomes Project 30x 0.00016; TOPMed 0.00018; 1000 Genomes Project 0.00020; gnomAD exomes 0.00042 and 0.00065; gnomAD 0.00045 and 0.00047; ExAC 0.00070.
gnomAD v4.1: 679 of 1,613,422 alleles (0.042%); highest among the groups gnomAD compares: Non-Finnish European, 0.035%; no homozygotes.

Submissions (5):

Labcorp Genetics (formerly Invitae), Labcorp
Classification: Likely benign. Last evaluated: 2025-10-07. Review status: criteria provided, single submitter. Criteria: Invitae Variant Classification Sherloc (09022015). Collection method: clinical testing. Allele origin: germline.

Blueprint Genetics
Classification: Likely benign. Last evaluated: 2024-11-23. Review status: criteria provided, single submitter. Criteria: ACMG Guidelines, 2015. Collection method: clinical testing. Allele origin: germline.

PreventionGenetics, part of Exact Sciences
Classification: Likely benign for PKD1L1-related condition. Last evaluated: 2024-07-10. Review status: no assertion criteria provided. Collection method: clinical testing. Allele origin: germline. Not counted in ClinVar's aggregate classification.
Comment: This variant is classified as likely benign based on ACMG/AMP sequence variant interpretation guidelines (Richards et al. 2015 PMID: 25741868, with internal and published modifications).

Clinical Genetics DNA and cytogenetics Diagnostics Lab, Erasmus MC, Erasmus Medical Center
Classification: Likely benign. Review status: no assertion criteria provided. Collection method: clinical testing. Allele origin: germline. Affected: yes. Study: VKGL Data-share Consensus. Not counted in ClinVar's aggregate classification.

Genome Diagnostics Laboratory, University Medical Center Utrecht
Classification: Likely benign. Review status: no assertion criteria provided. Collection method: clinical testing. Allele origin: germline. Affected: yes. Study: VKGL Data-share Consensus. Not counted in ClinVar's aggregate classification.

NM_138295.5(PKD1L1):c.5108G>A (p.Arg1703His)

Gene: PKD1L1 (polycystin 1 like 1, transient receptor potential channel interacting; minus strand). Cytogenetic location: 7p12.3.
Variant type: single nucleotide variant.
Coding change: c.5108G>A on transcript NM_138295.5 (MANE Select); coding-DNA position 5108, G replaced by A.
Protein change: p.Arg1703His; replaces arginine 1703 with histidine.
Molecular consequence: missense variant.
Genome position (GRCh38, 1-based): chr7:47,846,924, C>T on the plus strand (G>A on the coding strand, the complement: PKD1L1 is on the minus strand). VCF-style: chr7-47846924-C-T. GRCh37 (hg19) VCF-style: chr7-47886522-C-T.
Other names: short protein forms R1703H.
Identifiers: ClinVar variation 732966 (VCV000732966.12), dbSNP rs146605392, ClinGen allele CA4252941.